The following is an entry in ClinVar:

ClinVar aggregate classification (germline): Uncertain significance (1 of 4 stars; one submission).

Conditions:
Inborn genetic diseases. Identifiers: MedGen C0950123, MeSH D030342.

Submission:

Ambry Genetics
Classification: Uncertain significance for Inborn genetic diseases. Last evaluated: 2026-08-27. Review status: criteria provided, single submitter. Criteria: Ambry Variant Classification Scheme 2023. Collection method: clinical testing. Allele origin: germline.
Comment: The p.E74D variant (also known as c.222A>C), located in coding exon 3 of the ETV6 gene, results from an A to C substitution at nucleotide position 222. The glutamic acid at codon 74 is replaced by aspartic acid, an amino acid with highly similar properties. This amino acid position is conserved. In addition, the in silico prediction for this alteration is inconclusive. Based on the available evidence, the clinical significance of this variant remains unclear.

NM_001987.5(ETV6):c.222A>C (p.Glu74Asp)

Genes: ETV6 (ETS variant transcription factor 6; plus strand), LOC126861451 (BRD4-independent group 4 enhancer GRCh37_chr12:11991350-11992549; plus strand). Cytogenetic location: 12p13.2.
Variant type: single nucleotide variant.
Coding change: c.222A>C on transcript NM_001987.5 (MANE Select); coding-DNA position 222, A replaced by C.
Protein change: p.Glu74Asp; replaces glutamic acid 74 with aspartic acid.
Molecular consequence: missense variant. On other transcripts: 5 prime UTR variant (1).
Genome position (GRCh38, 1-based): chr12:11,839,198, A>C. VCF-style: chr12-11839198-A-C. GRCh37 (hg19) VCF-style: chr12-11992132-A-C.
Other names: c.219A>C, p.Glu73Asp (NM_001413913.1); c.195A>C, p.Glu65Asp (NM_001413914.1); c.-43A>C (NM_001413915.1); c.222A>C, p.Glu74Asp (NM_001413916.1, NM_001413917.1, NM_001413918.1); short protein forms E65D, E74D, E73D.
Identifiers: ClinVar variation 5036222 (VCV005036222.1).
Genomic context (GRCh38, chr12:11,839,198, plus strand): 5'-AGGCTTGCAGCCAATTTACTGGAGCAGGGATGACGTAGCCCAGTGGCTCAAGTGGGCTGA[A>C]AATGAGTTTTCTTTAAGGCCAATTGACAGCAACACGTTTGAAATGAATGGCAAAGCTCTC-3'
Protein context (NP_001978.1, residues 64-84): DDVAQWLKWA[Glu74Asp]NEFSLRPIDS